The following is an entry in ClinVar:

ClinVar aggregate classification (germline): Pathogenic. Review status: criteria provided, multiple submitters, no conflicts (2 of 4 stars). 12 submissions from 12 submitters: Pathogenic (10). 2 of the submissions do not count toward it. Last evaluated 2026-03-02.

Conditions:
SPR-related disorder. Also called: SPR-related condition.
Dystonic disorder. Also called: Dystonia. Identifiers: MedGen C0013421, MONDO:0003441, HP:0001332.
Dopa-responsive dystonia due to sepiapterin reductase deficiency. Also called: DYT-SPR; SPR DEFICIENCY; Sepiapterin reductase deficiency. Identifiers: Orphanet 70594, MedGen C0268468, MONDO:0012994, OMIM 612716.

Allele frequency attached by ClinVar (database versions not stated): TOPMed 0.00005; gnomAD 0.00006; ExAC 0.00008; gnomAD exomes 0.00008.

Submissions (12):

Women's Health and Genetics/Laboratory Corporation of America, LabCorp
Classification: Pathogenic for Dopa-responsive dystonia due to sepiapterin reductase deficiency. Last evaluated: 2026-03-02. Review status: criteria provided, single submitter. Criteria: LabCorp Variant Classification Summary - May 2015. Collection method: clinical testing. Allele origin: germline.
Comment: Variant summary: SPR c.751A>T (p.Lys251X) results in a premature termination codon, predicted to cause a truncation of the encoded protein. The variant allele was found at a frequency of 8e-05 in 251488 control chromosomes. This frequency is not significantly higher than estimated for disease-causing variants in SPR, allowing no conclusion about variant significance. c.751A>T has been observed in multiple individuals affected with Sepiapterin Reductase Deficiency (examples, Verbeek_2008, Arrabal _2011). These data indicate that the variant is likely to be associated with disease. At least one publication reports experimental evidence evaluating an impact on protein function. The most pronounced variant effect results in diminished normal enzyme activity in E. coli (Arrabal _2011). The following publications have been ascertained in the context of this evaluation (PMID: 21431957, 18502672). ClinVar contains an entry for this variant (Variation ID: 12944). Based on the evidence outlined above, the variant was classified as pathogenic.

PreventionGenetics, part of Exact Sciences
Classification: Pathogenic for SPR-related condition. Last evaluated: 2025-02-24. Review status: criteria provided, single submitter. Criteria: ACMG Guidelines, 2015. Collection method: clinical testing. Allele origin: germline.
Comment: The SPR c.751A>T variant is predicted to result in premature protein termination (p.Lys251*). This variant was reported, in the homozygous state or in the heterozygous state along with a second potentially causative variant in the same gene, in patients with sepiapterin reductase deficiency (see, for example, Thony et al. 2006. PubMed ID: 16917893; Arrabal et al. 2011. PubMed ID: 21431957; supplementary data, Friedman et al. 2012. PubMed ID: 22522443; Leuzzi et al. 2013. PubMed ID: 24212389). This variant is reported in 0.014% of alleles in individuals of Latino descent in gnomAD. Nonsense variants in SPR are expected to be pathogenic. This variant is interpreted as pathogenic.

Labcorp Genetics (formerly Invitae), Labcorp
Classification: Pathogenic for Dystonic disorder. Last evaluated: 2024-10-23. Review status: criteria provided, single submitter. Criteria: Invitae Variant Classification Sherloc (09022015). Collection method: clinical testing. Allele origin: germline.
Comment: This sequence change creates a premature translational stop signal (p.Lys251*) in the SPR gene. While this is not anticipated to result in nonsense mediated decay, it is expected to disrupt the last 11 amino acid(s) of the SPR protein. This variant is present in population databases (rs121917747, gnomAD 0.01%). This premature translational stop signal has been observed in individual(s) with SPR-related conditions (PMID: 16917893, 18502672, 21431957, 21677200, 24212389, 25763508, 29116116). In at least one individual the data is consistent with being in trans (on the opposite chromosome) from a pathogenic variant. ClinVar contains an entry for this variant (Variation ID: 12944). For these reasons, this variant has been classified as Pathogenic.

Blueprint Genetics
Classification: Pathogenic for SPR-related disorders. Last evaluated: 2024-09-17. Review status: criteria provided, single submitter. Criteria: ACMG Guidelines, 2015. Collection method: clinical testing. Allele origin: germline. Affected: yes. Observed: 5 variant alleles.

CeGaT Center for Human Genetics Tuebingen
Classification: Pathogenic. Last evaluated: 2024-06-01. Review status: criteria provided, single submitter. Criteria: CeGaT Center For Human Genetics Tuebingen Variant Classification Criteria Version 2. Collection method: clinical testing. Allele origin: germline. Affected: yes. Observed: 2 variant alleles.
Comment: SPR: PM3:Strong, PVS1:Strong, PM2:Supporting, PP1, PS3:Supporting

Fulgent Genetics
Classification: Pathogenic for Dopa-responsive dystonia due to sepiapterin reductase deficiency. Last evaluated: 2024-05-30. Review status: criteria provided, single submitter. Criteria: ACMG Guidelines, 2015. Collection method: clinical testing. Allele origin: germline.

Revvity Omics, Revvity
Classification: Pathogenic for Dopa-responsive dystonia due to sepiapterin reductase deficiency. Last evaluated: 2022-05-25. Review status: criteria provided, single submitter. Criteria: ACMG Guidelines, 2015. Collection method: clinical testing. Allele origin: germline.

3billion
Classification: Pathogenic for Dopa-responsive dystonia due to sepiapterin reductase deficiency. Last evaluated: 2022-05-22. Review status: criteria provided, single submitter. Criteria: ACMG Guidelines, 2015. Collection method: clinical testing. Allele origin: germline. Affected: yes. Observed: 1 homozygote.
Comment: The variant is observed at an extremely low frequency in the gnomAD v2.1.1 dataset (total allele frequency: 0.008%). Stop-gained (nonsense): predicted to result in a loss or disruption of normal protein function through protein truncation. The predicted truncated protein may be shortened by less than 10%. Functional studies provide moderate evidence of the variant having a damaging effect on the gene or gene product (PMID: 21431957). The variant has been reported to be in trans with a pathogenic variant as either compound heterozygous or homozygous in at least one similarly affected unrelated individual (PMID: 21677200) and co-segregate with the disease in at least one similarly affected relative/individual in the same family or similarly affected unrelated family (PMID: 18502672, 21677200). It has been reported at least twice as pathogenic with clinical assertions and evidence for the classification (ClinVar ID: VCV000012944 / PMID: 16917893). Therefore, this variant is classified as pathogenic according to the recommendation of ACMG/AMP guideline.

GeneDx
Classification: Pathogenic. Last evaluated: 2021-11-19. Review status: criteria provided, single submitter. Criteria: GeneDx Variant Classification Process June 2021. Collection method: clinical testing. Allele origin: germline. Affected: yes.
Comment: Published functional studies demonstrate a damaging effect, with less than 1% residual SPR enzyme activity on western blot analysis (Arrabal et al., 2011); Nonsense variant in the C-terminus predicted to result in protein truncation, as the last 11 amino acids are lost (Stenson et al., 2014); Not observed at a significant frequency in large population cohorts (Lek et al., 2016); This variant is associated with the following publications: (PMID: 21677200, 24212389, 22522443, 21431957, 16917893, 25763508, 31589614)

HudsonAlpha Institute for Biotechnology
Classification: Pathogenic for Dopa-responsive dystonia due to sepiapterin reductase deficiency. Last evaluated: 2019-07-18. Review status: criteria provided, single submitter. Criteria: ACMG Guidelines, 2015. Collection method: research. Allele origin: unknown. Affected: yes. Observed: 1 variant allele. Study: HudsonAlpha-AGHI-WGS.

Genetic Services Laboratory, University of Chicago
Classification: Pathogenic. Last evaluated: 2022-08-13. Review status: no assertion criteria provided. Collection method: clinical testing. Allele origin: germline. Affected: yes. Not counted in ClinVar's aggregate classification.
Comment: DNA sequence analysis of the SPR gene demonstrated a sequence change, c.751A>T, which results in the creation of a premature stop codon at amino acid position 251, p.Lys251*. While this sequence change is not anticipated to result in nonsense mediated decay, it is expected to disrupt the last 11 amino acids of the SPR protein. This sequence change has been described in the gnomAD database with a frequency of 0.01% in the European subpopulation (dbSNP rs121917747). This sequence change has previously been described in individuals with SPR deficiency in both homozygous and the compound heterozygous state (PMID: 21431957,18502672, 25763508,16917893, 24212389) . Functional assay involving western blot analysis showed significantly reduced residual SPR enzyme activity for this sequence change (PMID: 21431957). These collective evidences indicate that this sequence change is pathogenic.

OMIM
Classification: Pathogenic for DYSTONIA, DOPA-RESPONSIVE, DUE TO SEPIAPTERIN REDUCTASE DEFICIENCY. Last evaluated: 2011-08-01. Review status: no assertion criteria provided. Collection method: literature only. Allele origin: germline. Not counted in ClinVar's aggregate classification.

Literature cited by the submitters: PubMed 21431957 (cited by 4 submitters); PubMed 18502672 (cited by 4 submitters); PubMed 16917893 (cited by Labcorp Genetics (formerly Invitae), Labcorp and 3billion); PubMed 21677200 (cited by Labcorp Genetics (formerly Invitae), Labcorp and 3billion); PubMed 24212389 (cited by Labcorp Genetics (formerly Invitae), Labcorp); PubMed 25763508 (cited by Labcorp Genetics (formerly Invitae), Labcorp); PubMed 29116116 (cited by Labcorp Genetics (formerly Invitae), Labcorp).

NM_003124.5(SPR):c.751A>T (p.Lys251Ter)

Gene: SPR (sepiapterin reductase; plus strand). Cytogenetic location: 2p13.2.
Variant type: single nucleotide variant.
Coding change: c.751A>T on transcript NM_003124.5 (MANE Select); coding-DNA position 751, A replaced by T.
Protein change: p.Lys251Ter; replaces lysine 251 with a stop codon.
Molecular consequence: nonsense.
Genome position (GRCh38, 1-based): chr2:72,891,502, A>T. VCF-style: chr2-72891502-A-T. GRCh37 (hg19) VCF-style: chr2-73118631-A-T.
Other names: short protein forms K251*.
Identifiers: ClinVar variation 12944 (VCV000012944.63), dbSNP rs121917747, ClinGen allele CA122795.
Genomic context (GRCh38, chr2:72,891,502, plus strand): 5'-CTGGTGGATTGCAAGGTGTCAGCCCAGAAACTGCTGAGCTTACTGGAAAAGGACGAGTTC[A>T]AGTCTGGAGCCCACGTGGACTTCTATGACAAATAAGCCCATGTTTTTGGCTTCCTGAACC-3'